The following is an entry in ClinVar:

ClinVar aggregate classification (germline): Conflicting classifications of pathogenicity. Review status: criteria provided, conflicting classifications (1 of 4 stars). 4 submissions from 4 submitters: Uncertain significance (2); Likely benign (2). Last evaluated 2024-09-13.

Conditions:
Pityriasis rubra pilaris (PRP). Also called: Pityriasis rubra pilaris--familial type. Identifiers: Orphanet 2897, MedGen C0032027, MONDO:0100017, OMIM 173200, MONDO:0008251.
Psoriasis 2. Identifiers: MedGen C1864497, MONDO:0011269, OMIM 602723.
Autoinflammatory syndrome. Identifiers: Orphanet 93665, MedGen C3890737, MONDO:0019751.

Submissions (4):

Blueprint Genetics
Classification: Likely benign. Last evaluated: 2024-09-13. Review status: criteria provided, single submitter. Criteria: ACMG Guidelines, 2015. Collection method: clinical testing. Allele origin: germline.

Labcorp Genetics (formerly Invitae), Labcorp
Classification: Likely benign for Pityriasis rubra pilaris; Psoriasis 2. Last evaluated: 2023-12-13. Review status: criteria provided, single submitter. Criteria: Invitae Variant Classification Sherloc (09022015). Collection method: clinical testing. Allele origin: germline.

CeGaT Center for Human Genetics Tuebingen
Classification: Uncertain significance. Last evaluated: 2023-10-01. Review status: criteria provided, single submitter. Criteria: CeGaT Center For Human Genetics Tuebingen Variant Classification Criteria Version 2. Collection method: clinical testing. Allele origin: germline. Affected: yes. Observed: 1 variant allele.
Comment: CARD14: PM2, BP4

Genome Diagnostics Laboratory, The Hospital for Sick Children
Classification: Uncertain significance for Autoinflammatory syndrome. Last evaluated: 2016-12-12. Review status: criteria provided, single submitter. Criteria: ACMG Guidelines, 2015. Collection method: clinical testing. Allele origin: germline. Affected: yes.

NM_001366385.1(CARD14):c.1356+8del

Gene: CARD14 (caspase recruitment domain family member 14; plus strand). Cytogenetic location: 17q25.3.
Variant type: Deletion.
Coding change: c.1356+8del on transcript NM_001366385.1 (MANE Select); 8 bases into the intron after coding-DNA position 1356, one base deleted (C; older notation c.1356+8delC).
Molecular consequence: intron variant.
Genome position (GRCh38, 1-based): chr17:80,192,627, C deleted; the last of 2 consecutive C bases (chr17:80,192,626-80,192,627); deleting either gives the same sequence. VCF-style (leftmost placement, unchanged base first): chr17-80192625-GC-G. GRCh37 (hg19) VCF-style: chr17-78166424-GC-G.
Other names: c.1356+7delC (NM_024110.4); c.1356+8del (NM_024110.4, NM_001257970.1); c.645+8del (NM_052819.3).
Identifiers: ClinVar variation 1639376 (VCV001639376.35), dbSNP rs2144281783, ClinGen allele CA2573155021.